The following is an entry in ClinVar:

NM_001267550.2(TTN):c.96189C>T (p.Thr32063=)

Genes: TTN (titin; minus strand), TTN-AS1 (TTN antisense RNA 1; plus strand), LOC126806421 (CDK7 strongly-dependent group 2 enhancer GRCh37_chr2:179407630-179408829; plus strand). Cytogenetic location: 2q31.2.
Variant type: single nucleotide variant.
Coding change: c.96189C>T on transcript NM_001267550.2 (MANE Select); coding-DNA position 96189, C replaced by T.
Protein change: p.Thr32063=; no amino-acid change (threonine 32063 retained).
Molecular consequence: synonymous variant.
Genome position (GRCh38, 1-based): chr2:178,543,955, G>A on the plus strand (C>T on the coding strand, the complement: TTN is on the minus strand). VCF-style: chr2-178543955-G-A. GRCh37 (hg19) VCF-style: chr2-179408682-G-A.
Other names: c.91266C>T, p.Thr30422= (NM_001256850.1); c.68994C>T, p.Thr22998= (NM_003319.4); c.88485C>T, p.Thr29495= (NM_133378.4); c.69369C>T, p.Thr23123= (NM_133432.3); c.69570C>T, p.Thr23190= (NM_133437.4).
Identifiers: ClinVar variation 467685 (VCV000467685.15), dbSNP rs544886477, ClinGen allele CA1986805.
Genomic context (GRCh38, chr2:178,543,955, plus strand): 5'-GTATTTTCCAGCATCGTACCGATTAACTTTGTCCACTATTAGCAATGAGTAGCTCTCAGT[G>A]GTGTCAATAATTGCCCGGCTTGCAAGGTCAATGCCCTGCTTGCTCCACGTTATGACAGGA-3'
Protein context (NP_001254479.2, residues 32053-32073): IDLASRAIID[Thr32063=]TESYSLLIVD

ClinVar aggregate classification (germline): Likely benign. Review status: criteria provided, multiple submitters, no conflicts (2 of 4 stars). 3 submissions from 3 submitters: Likely benign (3). Last evaluated 2025-11-24.

Conditions:
Cardiovascular phenotype. Identifiers: MedGen CN230736.
Autosomal recessive limb-girdle muscular dystrophy type 2J (LGMDR10). Also called: Limb-girdle muscular dystrophy, type 2J; MUSCULAR DYSTROPHY, LIMB-GIRDLE, AUTOSOMAL RECESSIVE 10. Identifiers: Orphanet 140922, MedGen C1837342, MONDO:0012127, OMIM 608807.
Dilated cardiomyopathy 1G (CMD1G). Identifiers: Orphanet 154, MedGen C1858763, MONDO:0011400, OMIM 604145.
TTN-related disorder. Also called: TTN-related condition; TTN-related disease; TTN-related disorders.

Allele frequency attached by ClinVar (database versions not stated): gnomAD exomes below 0.00001 and 0.00002; ExAC 0.00002; gnomAD 0.00003 and 0.00004; TOPMed 0.00008; 1000 Genomes Project 0.00020; 1000 Genomes Project 30x 0.00031.
gnomAD v4.1: 9 of 1,613,660 alleles (0.00056%); highest among the groups gnomAD compares: African/African-American, 0.0093%; no homozygotes.

Submissions (3):

Labcorp Genetics (formerly Invitae), Labcorp
Classification: Likely benign for Dilated cardiomyopathy 1G; Autosomal recessive limb-girdle muscular dystrophy type 2J. Last evaluated: 2025-11-24. Review status: criteria provided, single submitter. Criteria: Invitae Variant Classification Sherloc (09022015). Collection method: clinical testing. Allele origin: germline.

PreventionGenetics, part of Exact Sciences
Classification: Likely benign for TTN-related condition. Last evaluated: 2025-09-30. Review status: criteria provided, single submitter. Criteria: ACMG Guidelines, 2015. Collection method: clinical testing. Allele origin: germline.
Comment: This variant is classified as likely benign based on ACMG/AMP sequence variant interpretation guidelines (Richards et al. 2015 PMID: 25741868, with internal and published modifications).

Ambry Genetics
Classification: Likely benign for Cardiovascular phenotype. Last evaluated: 2019-07-26. Review status: criteria provided, single submitter. Criteria: Ambry Variant Classification Scheme 2023. Collection method: clinical testing. Allele origin: germline.